The following is an entry in ClinVar:

ClinVar aggregate classification (germline): Conflicting classifications of pathogenicity. Review status: criteria provided, conflicting classifications (1 of 4 stars). 2 submissions from 2 submitters: Likely pathogenic (1); Uncertain significance (1). Last evaluated 2025-02-16.

gnomAD v4.1: 15 of 1,613,068 alleles (0.00093%); highest among the groups gnomAD compares: Non-Finnish European, 0.0012%; no homozygotes.

Submissions (2):

Laboratory of Genetics, Children's Clinical University Hospital Latvia
Classification: Likely pathogenic. Last evaluated: 2025-02-16. Review status: criteria provided, single submitter. Criteria: ACMG Guidelines, 2015. Collection method: clinical testing. Allele origin: germline. Affected: yes.

Labcorp Genetics (formerly Invitae), Labcorp
Classification: Uncertain significance. Last evaluated: 2024-04-22. Review status: criteria provided, single submitter. Criteria: Invitae Variant Classification Sherloc (09022015). Collection method: clinical testing. Allele origin: germline.
Comment: This sequence change replaces proline, which is neutral and non-polar, with leucine, which is neutral and non-polar, at codon 537 of the WDR11 protein (p.Pro537Leu). This variant is present in population databases (rs761599645, gnomAD 0.0009%). This missense change has been observed in individual(s) with clinical features of WDR11-related disorders (PMID: 29263200). An algorithm developed to predict the effect of missense changes on protein structure and function (PolyPhen-2) suggests that this variant is likely to be tolerated. Experimental studies have shown that this missense change affects WDR11 function (PMID: 29263200). In summary, the available evidence is currently insufficient to determine the role of this variant in disease. Therefore, it has been classified as a Variant of Uncertain Significance.

Literature cited by the submitters: PubMed 29263200 (cited by Labcorp Genetics (formerly Invitae), Labcorp).

NM_018117.12(WDR11):c.1610C>T (p.Pro537Leu)

Gene: WDR11 (WD repeat domain 11; plus strand). Cytogenetic location: 10q26.12.
Variant type: single nucleotide variant.
Coding change: c.1610C>T on transcript NM_018117.12 (MANE Select); coding-DNA position 1610, C replaced by T.
Protein change: p.Pro537Leu; replaces proline 537 with leucine.
Molecular consequence: missense variant.
Genome position (GRCh38, 1-based): chr10:120,878,406, C>T. VCF-style: chr10-120878406-C-T. GRCh37 (hg19) VCF-style: chr10-122637918-C-T.
Other names: short protein forms P537L.
Identifiers: ClinVar variation 3720967 (VCV003720967.3).